The following is an entry in ClinVar:

ClinVar aggregate classification (germline): Conflicting classifications of pathogenicity. Review status: criteria provided, conflicting classifications (1 of 4 stars). 2 submissions from 2 submitters: Pathogenic (1); Uncertain significance (1). Last evaluated 2026-04-28.

Conditions:
Hereditary cancer-predisposing syndrome. Also called: Tumor predisposition; Neoplastic Syndromes, Hereditary; Hereditary Cancer Syndrome; Hereditary neoplastic syndrome. Identifiers: Orphanet 140162, MedGen C0027672, MeSH D009386, MONDO:0015356.

Submissions (2):

Ambry Genetics
Classification: Uncertain significance for Hereditary cancer-predisposing syndrome. Last evaluated: 2026-04-28. Review status: criteria provided, single submitter. Criteria: Ambry Variant Classification Scheme 2023. Collection method: clinical testing. Allele origin: germline.
Comment: The c.6218_6219delAA variant, located in coding exon 45 of the POLE gene, results from a deletion of two nucleotides at nucleotide positions 6218 to 6219, causing a translational frameshift with a predicted alternate stop codon (p.K2073Sfs*9). This alteration is expected to result in loss of function by premature protein truncation or nonsense-mediated mRNA decay. Although biallelic loss of function of POLE has been associated with autosomal recessive POLE deficiency, haploinsufficiency of POLE has not been established as a mechanism of disease for POLE-related polymerase proofreading-associated polyposis (PPAP) and POLE-related CMMRD-like syndrome. Based on the supporting evidence, this variant is expected to be causative of POLE deficiency when present along with a second pathogenic variant on the other allele; however, its clinical significance for PPAP and POLE-related CMMRD-like syndrome is unclear.

Labcorp Genetics (formerly Invitae), Labcorp
Classification: Pathogenic. Last evaluated: 2022-05-12. Review status: criteria provided, single submitter. Criteria: Invitae Variant Classification Sherloc (09022015). Collection method: clinical testing. Allele origin: germline.
Comment: This variant is not present in population databases (gnomAD no frequency). For these reasons, this variant has been classified as Pathogenic. Algorithms developed to predict the effect of sequence changes on RNA splicing suggest that this variant may disrupt the consensus splice site. This variant has not been reported in the literature in individuals affected with POLE-related conditions. This sequence change creates a premature translational stop signal (p.Lys2073Serfs*9) in the POLE gene. It is expected to result in an absent or disrupted protein product. Loss-of-function variants in POLE are known to be pathogenic (PMID: 23230001, 25948378, 30503519).

Literature cited by the submitters: PubMed 23230001 (cited by Labcorp Genetics (formerly Invitae), Labcorp); PubMed 25948378 (cited by Labcorp Genetics (formerly Invitae), Labcorp); PubMed 30503519 (cited by Labcorp Genetics (formerly Invitae), Labcorp).

NM_006231.4(POLE):c.6218_6219del (p.Lys2073fs)

Gene: POLE (DNA polymerase epsilon, catalytic subunit; minus strand). Cytogenetic location: 12q24.33.
Variant type: Deletion.
Coding change: c.6218_6219del on transcript NM_006231.4 (MANE Select); coding-DNA positions 6218 to 6219, 2 bases deleted (AA; older notation c.6218_6219delAA).
Protein change: p.Lys2073fs; shifts the reading frame from lysine 2073.
Molecular consequence: frameshift variant.
Genome position (GRCh38, 1-based): chr12:132,632,426-132,632,427, TT deleted on the plus strand (AA on the coding strand, the reverse complement: POLE is on the minus strand); deleting any 2 consecutive bases within chr12:132,632,426-132,632,428 gives the same sequence; the c. name uses the placement nearest the transcript's 3' end. VCF-style (leftmost placement, unchanged base first): chr12-132632425-CTT-C. GRCh37 (hg19) VCF-style: chr12-133209011-CTT-C.
Other names: c.6218_6219delAA (NM_006231.2); short protein forms K2073fs.
Identifiers: ClinVar variation 1487022 (VCV001487022.9), dbSNP rs2138460631, ClinGen allele CA2573148190.